The following is an entry in ClinVar:

NM_000083.3(CLCN1):c.691A>G (p.Lys231Glu)

Gene: CLCN1 (chloride voltage-gated channel 1; plus strand). Cytogenetic location: 7q34.
Variant type: single nucleotide variant.
Coding change: c.691A>G on transcript NM_000083.3 (MANE Select); coding-DNA position 691, A replaced by G.
Protein change: p.Lys231Glu; replaces lysine 231 with glutamic acid.
Molecular consequence: missense variant. On other transcripts: non-coding transcript variant (1).
Genome position (GRCh38, 1-based): chr7:143,321,843, A>G. VCF-style: chr7-143321843-A-G. GRCh37 (hg19) VCF-style: chr7-143018936-A-G.
Other names: short protein forms K231E.
Identifiers: ClinVar variation 659309 (VCV000659309.13), dbSNP rs1586486170, ClinGen allele CA369686025.

ClinVar aggregate classification (germline): Conflicting classifications of pathogenicity. Review status: criteria provided, conflicting classifications (1 of 4 stars). 3 submissions from 3 submitters: Likely pathogenic (1); Uncertain significance (2). Last evaluated 2025-07-06.

Conditions:
Congenital myotonia, autosomal dominant form (THD). Also called: THOMSEN DISEASE; Myotonia congenita autosomal dominant. Identifiers: Orphanet 614, MedGen C2936781, MONDO:0008055, OMIM 160800.
Congenital myotonia, autosomal recessive form. Also called: BECKER DISEASE; Becker Generalized Myotonia; myotonia congenita, autosomal recessive. Identifiers: Orphanet 614, MedGen C0751360, MONDO:0009715, OMIM 255700.

Submissions (3):

Labcorp Genetics (formerly Invitae), Labcorp
Classification: Likely pathogenic for Congenital myotonia, autosomal recessive form; Congenital myotonia, autosomal dominant form. Last evaluated: 2025-07-06. Review status: criteria provided, single submitter. Criteria: Invitae Variant Classification Sherloc (09022015). Collection method: clinical testing. Allele origin: germline.
Comment: This sequence change replaces lysine, which is basic and polar, with glutamic acid, which is acidic and polar, at codon 231 of the CLCN1 protein (p.Lys231Glu). This variant is not present in population databases (gnomAD no frequency). This missense change has been observed in individual(s) with autosomal recessive myotonia congenita (internal data). In at least one individual the data is consistent with being in trans (on the opposite chromosome) from a pathogenic variant. This variant has been reported in individual(s) with autosomal dominant myotonia congenita (internal data); however, the role of the variant in this condition is currently unclear. ClinVar contains an entry for this variant (Variation ID: 659309). Invitae Evidence Modeling of protein sequence and biophysical properties (such as structural, functional, and spatial information, amino acid conservation, physicochemical variation, residue mobility, and thermodynamic stability) indicates that this missense variant is expected to disrupt CLCN1 protein function with a positive predictive value of 95%. In summary, the currently available evidence indicates that the variant is pathogenic, but additional data are needed to prove that conclusively. Therefore, this variant has been classified as Likely Pathogenic.

Fulgent Genetics
Classification: Uncertain significance for Congenital myotonia, autosomal dominant form; Congenital myotonia, autosomal recessive form. Last evaluated: 2024-06-07. Review status: criteria provided, single submitter. Criteria: ACMG Guidelines, 2015. Collection method: clinical testing. Allele origin: germline.

GeneDx
Classification: Uncertain significance. Last evaluated: 2022-10-10. Review status: criteria provided, single submitter. Criteria: GeneDx Variant Classification Process June 2021. Collection method: clinical testing. Allele origin: germline. Affected: yes.
Comment: Not observed at significant frequency in large population cohorts (gnomAD); In silico analysis supports that this missense variant has a deleterious effect on protein structure/function; Has not been previously published as pathogenic or benign to our knowledge